The following is an entry in ClinVar:

ClinVar aggregate classification (germline): Uncertain significance. Review status: criteria provided, multiple submitters, no conflicts (2 of 4 stars). 3 submissions from 3 submitters: Uncertain significance (3). Last evaluated 2026-03-01.

Allele frequency attached by ClinVar (database versions not stated): TOPMed 0.00002; gnomAD 0.00001.
gnomAD v4.1: 1 of 1,519,424 alleles (0.000066%); highest among the groups gnomAD compares: Admixed American, 0.0021%; no homozygotes.

Submissions (3):

CeGaT Center for Human Genetics Tuebingen
Classification: Uncertain significance. Last evaluated: 2026-03-01. Review status: criteria provided, single submitter. Criteria: CeGaT Center For Human Genetics Tuebingen Variant Classification Criteria Version 2. Collection method: clinical testing. Allele origin: germline. Affected: yes. Observed: 1 variant allele.
Comment: SOX10: PM2

Labcorp Genetics (formerly Invitae), Labcorp
Classification: Uncertain significance. Last evaluated: 2023-08-08. Review status: criteria provided, single submitter. Criteria: Invitae Variant Classification Sherloc (09022015). Collection method: clinical testing. Allele origin: germline.
Comment: In summary, the available evidence is currently insufficient to determine the role of this variant in disease. Therefore, it has been classified as a Variant of Uncertain Significance. Advanced modeling of protein sequence and biophysical properties (such as structural, functional, and spatial information, amino acid conservation, physicochemical variation, residue mobility, and thermodynamic stability) performed at Invitae indicates that this missense variant is not expected to disrupt SOX10 protein function. ClinVar contains an entry for this variant (Variation ID: 1306177). This variant has not been reported in the literature in individuals affected with SOX10-related conditions. This variant is not present in population databases (gnomAD no frequency). This sequence change replaces proline, which is neutral and non-polar, with threonine, which is neutral and polar, at codon 29 of the SOX10 protein (p.Pro29Thr).

GeneDx
Classification: Uncertain significance. Last evaluated: 2019-06-03. Review status: criteria provided, single submitter. Criteria: GeneDx Variant Classification Process June 2021. Collection method: clinical testing. Allele origin: germline. Affected: yes.
Comment: Not observed in large population cohorts (Lek et al., 2016); In silico analysis, which includes protein predictors and evolutionary conservation, supports that this variant does not alter protein structure/function; Has not been previously published as pathogenic or benign to our knowledge

NM_006941.4(SOX10):c.85C>A (p.Pro29Thr)

Genes: POLR2F (RNA polymerase II, I and III subunit F; plus strand), SOX10 (SRY-box transcription factor 10; minus strand). Cytogenetic location: 22q13.1.
Variant type: single nucleotide variant.
Coding change: c.85C>A on transcript NM_006941.4 (MANE Select); coding-DNA position 85, C replaced by A.
Protein change: p.Pro29Thr; replaces proline 29 with threonine.
Molecular consequence: missense variant. On other transcripts: intron variant (3).
Genome position (GRCh38, 1-based): chr22:37,983,700, G>T on the plus strand (C>A on the coding strand, the complement: SOX10 is on the minus strand). VCF-style: chr22-37983700-G-T. GRCh37 (hg19) VCF-style: chr22-38379707-G-T.
Other names: c.*38+11390G>T (NM_001363825.1); c.294-2454G>T (NM_001301130.2); c.293+16530G>T (NM_001301131.2); short protein forms P29T.
Identifiers: ClinVar variation 1306177 (VCV001306177.11), dbSNP rs1489956199, ClinGen allele CA411502165.